The following is an entry in ClinVar:

NC_000007.14:g.(?_5977578)_(5977767_?)del

Gene: PMS2 (PMS1 homolog 2, mismatch repair system component; minus strand). Cytogenetic location: 7p22.1.
Variant type: Deletion.
Identifiers: ClinVar variation 584041 (VCV000584041.4).

ClinVar aggregate classification (germline): Pathogenic (1 of 4 stars; one submission).

Conditions:
Hereditary nonpolyposis colorectal neoplasms. Identifiers: MedGen C0009405, MeSH D003123.

Submission:

Labcorp Genetics (formerly Invitae), Labcorp
Classification: Pathogenic for Hereditary nonpolyposis colorectal neoplasms. Last evaluated: 2021-11-26. Review status: criteria provided, single submitter. Criteria: Invitae Variant Classification Sherloc (09022015). Collection method: clinical testing. Allele origin: germline.
Comment: This variant is a gross deletion of the genomic region encompassing exon(s) 14 of the PMS2 gene. While this deletion is not anticipated to lead to nonsense mediated decay, it is expected to disrupt the C-terminus of the protein. The frequency data for this variant in the population databases (gnomAD) is considered unreliable due to the presence of homologous sequence, such as pseudogenes or paralogs, in the genome. A similar copy number variant has been observed in individual(s) with clinical features of Lynch syndrome and/or constitutional mismatch repair deficiency syndrome (PMID: 20186688, 23012243, 23288611, 23837913, 26320870; Invitae). In at least one individual the data is consistent with being in trans (on the opposite chromosome) from a pathogenic variant. This variant disrupts the MLH1 interaction domain of the PMS2 protein, which has been shown to be critical for PMS2-MLH1 dimerization (PMID: 10037723), and therefore mismatch repair activity (PMID: 16338176, 20533529). While functional studies have not been performed to directly test the effect of this variant on PMS2 protein function, this suggests that disruption of this region of the protein is causative of disease. For these reasons, this variant has been classified as Pathogenic.

Literature cited by the submitters: PubMed 20186688; PubMed 23012243; PubMed 23288611; PubMed 23837913; PubMed 26320870; PubMed 10037723; PubMed 16338176; PubMed 20533529.